The following is an entry in ClinVar:

NM_001164508.2(NEB):c.303C>A (p.Tyr101Ter)

Gene: NEB (nebulin; minus strand). Cytogenetic location: 2q23.3.
Variant type: single nucleotide variant.
Coding change: c.303C>A on transcript NM_001164508.2 (MANE Select); coding-DNA position 303, C replaced by A.
Protein change: p.Tyr101Ter; replaces tyrosine 101 with a stop codon.
Molecular consequence: nonsense.
Genome position (GRCh38, 1-based): chr2:151,725,552, G>T on the plus strand (C>A on the coding strand, the complement: NEB is on the minus strand). VCF-style: chr2-151725552-G-T. GRCh37 (hg19) VCF-style: chr2-152582066-G-T.
Other names: c.303C>A, p.Tyr101Ter (NM_001164507.2, NM_001271208.2, NM_004543.5); short protein forms Y101*.
Identifiers: ClinVar variation 5011502 (VCV005011502.1).
Genomic context (GRCh38, chr2:151,725,552, plus strand): 5'-TTCTGGAGTATCTGTTGTGCTGGCGTATGGCTGTCCTTTTGTTTTCTCAAACTTCTCCTT[G>T]TATTTATTCTGAAAAGAATATCAGATATTAGCCTAACAAGACAGCAGTGAAAATTTCAGG-3'

ClinVar aggregate classification (germline): Pathogenic (1 of 4 stars; one submission).

Conditions:
Nemaline myopathy 2 (NEM2). Also called: Nemaline myopathy 2, autosomal recessive. Identifiers: MedGen C1850569, MONDO:0009725, OMIM 256030.

Submission:

Myriad Genetics, Inc.
Classification: Pathogenic for Nemaline myopathy 2. Last evaluated: 2023-08-31. Review status: criteria provided, single submitter. Criteria: Myriad Autosomal Dominant, Autosomal Recessive and X-Linked Classification Criteria (2023). Collection method: clinical testing. Allele origin: unknown.
Comment: NM_001271208.1(NEB):c.303C>A(Y101*) is expected to be pathogenic in the context of NEB-related nemaline myopathy. This variant is predicted to lead to an abnormal or absent protein product due to the creation of a premature termination codon in NEB, a gene where loss-of-function variants are known to be pathogenic. Please note: this variant was assessed in the context of healthy population screening.